The following is an entry in ClinVar:

ClinVar aggregate classification (germline): Uncertain significance (1 of 4 stars; one submission).

Conditions:
X-linked Emery-Dreifuss muscular dystrophy. Also called: Muscular dystrophy, tardive Emery-Dreifuss type, with contractures. Identifiers: Orphanet 261, Orphanet 98863, MedGen C0751337, MONDO:0010680.

Submission:

Labcorp Genetics (formerly Invitae), Labcorp
Classification: Uncertain significance for X-linked Emery-Dreifuss muscular dystrophy. Last evaluated: 2024-04-22. Review status: criteria provided, single submitter. Criteria: Invitae Variant Classification Sherloc (09022015). Collection method: clinical testing. Allele origin: germline.
Comment: This sequence change replaces serine, which is neutral and polar, with phenylalanine, which is neutral and non-polar, at codon 176 of the EMD protein (p.Ser176Phe). This variant is present in population databases (rs782577464, gnomAD 0.008%). This variant has not been reported in the literature in individuals affected with EMD-related conditions. Advanced modeling of protein sequence and biophysical properties (such as structural, functional, and spatial information, amino acid conservation, physicochemical variation, residue mobility, and thermodynamic stability) performed at Invitae indicates that this missense variant is not expected to disrupt EMD protein function with a negative predictive value of 80%. In summary, the available evidence is currently insufficient to determine the role of this variant in disease. Therefore, it has been classified as a Variant of Uncertain Significance.

NM_000117.3(EMD):c.527C>T (p.Ser176Phe)

Gene: EMD (emerin; plus strand). Cytogenetic location: Xq28.
Variant type: single nucleotide variant.
Coding change: c.527C>T on transcript NM_000117.3 (MANE Select); coding-DNA position 527, C replaced by T.
Protein change: p.Ser176Phe; replaces serine 176 with phenylalanine.
Molecular consequence: missense variant.
Genome position (GRCh38, 1-based): chrX:154,380,959, C>T. VCF-style: chrX-154380959-C-T. GRCh37 (hg19) VCF-style: chrX-153609319-C-T.
Other names: short protein forms S176F.
Identifiers: ClinVar variation 3650533 (VCV003650533.2).
Genomic context (GRCh38, chrX:154,380,959, plus strand): 5'-GCCGGGACAGTGCCTACCAGAGCATCACGCACTACCGCCCTGTTTCAGCCTCCAGGAGCT[C>T]CCTGGACCTGTCCTATTATCCTACTTCCTCCTCCACCTCTTTTATGTCCTCCTCATCATC-3'
Protein context (NP_000108.1, residues 166-186): HYRPVSASRS[Ser176Phe]LDLSYYPTSS